The following is an entry in ClinVar:

ClinVar aggregate classification (germline): Uncertain significance (1 of 4 stars; one submission).

Allele frequency attached by ClinVar (database versions not stated): gnomAD exomes 0.00001; ExAC 0.00004.
gnomAD v4.1: 8 of 1,600,752 alleles (0.0005%); highest among the groups gnomAD compares: South Asian, 0.0045%; no homozygotes.

Submission:

Labcorp Genetics (formerly Invitae), Labcorp
Classification: Uncertain significance. Last evaluated: 2022-03-23. Review status: criteria provided, single submitter. Criteria: Invitae Variant Classification Sherloc (09022015). Collection method: clinical testing. Allele origin: germline.
Comment: Algorithms developed to predict the effect of missense changes on protein structure and function are either unavailable or do not agree on the potential impact of this missense change (SIFT: "Tolerated"; PolyPhen-2: "Not Available"; Align-GVGD: "Class C0"). In summary, the available evidence is currently insufficient to determine the role of this variant in disease. Therefore, it has been classified as a Variant of Uncertain Significance. This variant has not been reported in the literature in individuals affected with PCLO-related conditions. The frequency data for this variant in the population databases is considered unreliable, as metrics indicate poor data quality at this position in the gnomAD database. This sequence change replaces proline, which is neutral and non-polar, with threonine, which is neutral and polar, at codon 73 of the PCLO protein (p.Pro73Thr).

NM_033026.6(PCLO):c.217C>A (p.Pro73Thr)

Gene: PCLO (piccolo presynaptic cytomatrix protein; minus strand). Cytogenetic location: 7q21.11.
Variant type: single nucleotide variant.
Coding change: c.217C>A on transcript NM_033026.6 (MANE Select); coding-DNA position 217, C replaced by A.
Protein change: p.Pro73Thr; replaces proline 73 with threonine.
Molecular consequence: missense variant.
Genome position (GRCh38, 1-based): chr7:83,162,376, G>T on the plus strand (C>A on the coding strand, the complement: PCLO is on the minus strand). VCF-style: chr7-83162376-G-T. GRCh37 (hg19) VCF-style: chr7-82791692-G-T.
Other names: c.217C>A, p.Pro73Thr (NM_014510.3); short protein forms P73T.
Identifiers: ClinVar variation 1493294 (VCV001493294.6), dbSNP rs771529063, ClinGen allele CA4321734.